The following is an entry in ClinVar:

NM_001201543.2(FAM161A):c.1666C>T (p.Gln556Ter)

Gene: FAM161A (FAM161 centrosomal protein A; minus strand). Cytogenetic location: 2p15.
Variant type: single nucleotide variant.
Coding change: c.1666C>T on transcript NM_001201543.2 (MANE Select); coding-DNA position 1666, C replaced by T.
Protein change: p.Gln556Ter; replaces glutamine 556 with a stop codon.
Molecular consequence: nonsense. On other transcripts: intron variant (1).
Genome position (GRCh38, 1-based): chr2:61,838,623, G>A on the plus strand (C>T on the coding strand, the complement: FAM161A is on the minus strand). VCF-style: chr2-61838623-G-A. GRCh37 (hg19) VCF-style: chr2-62065758-G-A.
Other names: c.1583+798C>T (NM_032180.3); short protein forms Q556*.
Identifiers: ClinVar variation 964047 (VCV000964047.12), dbSNP rs186972495, ClinGen allele CA1679069.

ClinVar aggregate classification (germline): Pathogenic/Likely pathogenic. Review status: criteria provided, multiple submitters, no conflicts (2 of 4 stars). 5 submissions from 5 submitters: Pathogenic (2); Likely pathogenic (3). Last evaluated 2025-07-29.

Conditions:
Retinitis pigmentosa 28 (RP28). Identifiers: Orphanet 791, MedGen C1419614, MONDO:0011630, OMIM 606068.
FAM161A-related disorder. Also called: FAM161A-related condition.

Allele frequency attached by ClinVar (database versions not stated): TOPMed 0.00006.
gnomAD v4.1: 21 of 1,611,804 alleles (0.0013%); highest among the groups gnomAD compares: Non-Finnish European, 0.0017%; no homozygotes.

Submissions (5):

Myriad Genetics, Inc.
Classification: Pathogenic for Retinitis pigmentosa 28. Last evaluated: 2025-07-29. Review status: criteria provided, single submitter. Criteria: Myriad Autosomal Dominant, Autosomal Recessive and X-Linked Classification Criteria (2023). Collection method: clinical testing. Allele origin: unknown.
Comment: NM_001201543.1(FAM161A):c.1666C>T(Q556*) is a nonsense variant classified as pathogenic in the context of retinitis pigmentosa, FAM161A-related. Q556* has not been observed in cases with relevant disease. Relevant functional assessments of this variant are not available in the literature. Q556* has been observed in referenced population frequency databases. In summary, NM_001201543.1(FAM161A):c.1666C>T(Q556*) is a nonsense variant in a gene where loss of function is a known mechanism of disease and is predicted to disrupt protein function. Please note: this variant was assessed in the context of healthy population screening.

Labcorp Genetics (formerly Invitae), Labcorp
Classification: Pathogenic. Last evaluated: 2025-04-24. Review status: criteria provided, single submitter. Criteria: Invitae Variant Classification Sherloc (09022015). Collection method: clinical testing. Allele origin: germline.
Comment: This sequence change creates a premature translational stop signal (p.Gln556*) in the FAM161A gene. It is expected to result in an absent or disrupted protein product. Loss-of-function variants in FAM161A are known to be pathogenic (PMID: 20705278, 20705279, 24651477). This variant is present in population databases (rs186972495, gnomAD 0.004%). This variant has not been reported in the literature in individuals affected with FAM161A-related conditions. ClinVar contains an entry for this variant (Variation ID: 964047). Algorithms developed to predict the effect of sequence changes on RNA splicing suggest that this variant may disrupt the consensus splice site. For these reasons, this variant has been classified as Pathogenic.

Blueprint Genetics
Classification: Likely pathogenic for FAM161A-related disorders. Last evaluated: 2024-08-13. Review status: criteria provided, single submitter. Criteria: ACMG Guidelines, 2015. Collection method: clinical testing. Allele origin: germline. Affected: yes. Observed: 4 variant alleles.

Baylor Genetics
Classification: Likely pathogenic for Retinitis pigmentosa 28. Last evaluated: 2024-03-15. Review status: criteria provided, single submitter. Criteria: ACMG Guidelines, 2015. Collection method: clinical testing. Allele origin: unknown.

Fulgent Genetics
Classification: Likely pathogenic for Retinitis pigmentosa 28. Last evaluated: 2024-01-10. Review status: criteria provided, single submitter. Criteria: ACMG Guidelines, 2015. Collection method: clinical testing. Allele origin: germline.

Literature cited by the submitters: PubMed 20705278 (cited by Labcorp Genetics (formerly Invitae), Labcorp); PubMed 20705279 (cited by Labcorp Genetics (formerly Invitae), Labcorp); PubMed 24651477 (cited by Labcorp Genetics (formerly Invitae), Labcorp).